The following is an entry in ClinVar:

NM_004168.4(SDHA):c.456+6G>T

Gene: SDHA (succinate dehydrogenase complex flavoprotein subunit A; plus strand). Cytogenetic location: 5p15.33.
Variant type: single nucleotide variant.
Coding change: c.456+6G>T on transcript NM_004168.4 (MANE Select); 6 bases into the intron after coding-DNA position 456, G replaced by T.
Molecular consequence: intron variant.
Genome position (GRCh38, 1-based): chr5:225,568, G>T. VCF-style: chr5-225568-G-T. GRCh37 (hg19) VCF-style: chr5-225683-G-T.
Other names: c.456+6G>T (NM_001330758.2); c.313-315G>T (NM_001294332.2).
Identifiers: ClinVar variation 239671 (VCV000239671.61), dbSNP rs371735891, ClinGen allele CA3172829.

ClinVar aggregate classification (germline): Conflicting classifications of pathogenicity. Review status: criteria provided, conflicting classifications (1 of 4 stars). 10 submissions from 10 submitters: Uncertain significance (1); Benign (1); Likely benign (6). 2 of the submissions do not count toward it. Last evaluated 2026-04-01.

Conditions:
SDHA-related disorder. Also called: SDHA-related condition; SDHA-related disorders.
Hereditary cancer-predisposing syndrome. Also called: Tumor predisposition; Hereditary Cancer Syndrome; Neoplastic Syndromes, Hereditary; Hereditary neoplastic syndrome. Identifiers: Orphanet 140162, MedGen C0027672, MeSH D009386, MONDO:0015356.
Pheochromocytoma/paraganglioma syndrome 5. Also called: Paragangliomas 5; SDHA-Related Hereditary Paraganglioma-Pheochromocytoma Syndrome. Identifiers: Orphanet 29072, MedGen C3279992, MONDO:0013602, OMIM 614165.
Mitochondrial complex II deficiency, nuclear type 1. Also called: SUCCINATE CoQ REDUCTASE DEFICIENCY. Identifiers: Orphanet 3208, MedGen C5700310, MONDO:0100294, OMIM 252011.

Allele frequency attached by ClinVar (database versions not stated): gnomAD exomes 0.00024 and 0.00041; ExAC 0.00028; gnomAD 0.00029 and 0.00047; ESP Exome Variant Server 0.00046; TOPMed 0.00055.
gnomAD v4.1: 662 of 1,613,790 alleles (0.041%); highest among the groups gnomAD compares: Non-Finnish European, 0.051%; 1 homozygote.

Submissions (10):

CeGaT Center for Human Genetics Tuebingen
Classification: Likely benign. Last evaluated: 2026-04-01. Review status: criteria provided, single submitter. Criteria: CeGaT Center For Human Genetics Tuebingen Variant Classification Criteria Version 2. Collection method: clinical testing. Allele origin: germline. Affected: yes. Observed: 4 variant alleles.
Comment: SDHA: BP4

Labcorp Genetics (formerly Invitae), Labcorp
Classification: Likely benign for Pheochromocytoma/paraganglioma syndrome 5; Mitochondrial complex II deficiency, nuclear type 1. Last evaluated: 2026-02-03. Review status: criteria provided, single submitter. Criteria: Invitae Variant Classification Sherloc (09022015). Collection method: clinical testing. Allele origin: germline.

Blueprint Genetics
Classification: Likely benign. Last evaluated: 2024-11-06. Review status: criteria provided, single submitter. Criteria: ACMG Guidelines, 2015. Collection method: clinical testing. Allele origin: germline.

Quest Diagnostics Nichols Institute San Juan Capistrano
Classification: Benign. Last evaluated: 2023-05-23. Review status: criteria provided, single submitter. Criteria: Quest Diagnostics criteria. Collection method: clinical testing. Allele origin: unknown.

Myriad Genetics, Inc.
Classification: Likely benign for Pheochromocytoma/paraganglioma syndrome 5. Last evaluated: 2023-04-21. Review status: criteria provided, single submitter. Criteria: Myriad Autosomal Dominant, Autosomal Recessive and X-Linked Classification Criteria (2023). Collection method: clinical testing. Allele origin: unknown.
Comment: This variant is considered likely benign. This variant is intronic and is not expected to impact mRNA splicing.

Ambry Genetics
Classification: Uncertain significance for Hereditary cancer-predisposing syndrome. Last evaluated: 2022-05-10. Review status: criteria provided, single submitter. Criteria: Ambry Variant Classification Scheme 2023. Collection method: clinical testing. Allele origin: germline.
Comment: The c.456+6G>T intronic alteration consists of a G to T substitution 6 nucleotides after exon 4 of the SDHA gene. Based on insufficient or conflicting evidence, the clinical significance of this alteration remains unclear.

Sema4
Classification: Likely benign for Hereditary cancer-predisposing syndrome. Last evaluated: 2021-09-15. Review status: criteria provided, single submitter. Criteria: Sema4 Curation Guidelines. Collection method: curation. Allele origin: germline.

GeneDx
Classification: Likely benign. Last evaluated: 2018-07-09. Review status: criteria provided, single submitter. Criteria: GeneDx Variant Classification Process June 2021. Collection method: clinical testing. Allele origin: germline. Affected: yes.

PreventionGenetics, part of Exact Sciences
Classification: Likely benign for SDHA-related condition. Last evaluated: 2022-01-21. Review status: no assertion criteria provided. Collection method: clinical testing. Allele origin: germline. Not counted in ClinVar's aggregate classification.
Comment: This variant is classified as likely benign based on ACMG/AMP sequence variant interpretation guidelines (Richards et al. 2015 PMID: 25741868, with internal and published modifications).

Counsyl
Classification: Uncertain significance for Pheochromocytoma/paraganglioma syndrome 5. Last evaluated: 2017-10-17. Review status: no assertion criteria provided. Collection method: clinical testing. Allele origin: unknown. Not counted in ClinVar's aggregate classification.